The following is an entry in ClinVar:

ClinVar aggregate classification (germline): Uncertain significance (1 of 4 stars; one submission).

gnomAD v4.1: 1 of 1,605,324 alleles (0.000062%); highest among the groups gnomAD compares: Non-Finnish European, 0.000085%; no homozygotes.

Submission:

Labcorp Genetics (formerly Invitae), Labcorp
Classification: Uncertain significance. Last evaluated: 2022-07-29. Review status: criteria provided, single submitter. Criteria: Invitae Variant Classification Sherloc (09022015). Collection method: clinical testing. Allele origin: germline.
Comment: This sequence change replaces alanine, which is neutral and non-polar, with serine, which is neutral and polar, at codon 214 of the GPR45 protein (p.Ala214Ser). This variant is not present in population databases (gnomAD no frequency). This variant has not been reported in the literature in individuals affected with GPR45-related conditions. Algorithms developed to predict the effect of missense changes on protein structure and function output the following: SIFT: "Tolerated"; PolyPhen-2: "Benign"; Align-GVGD: "Class C0". The serine amino acid residue is found in multiple mammalian species, which suggests that this missense change does not adversely affect protein function. In summary, the available evidence is currently insufficient to determine the role of this variant in disease. Therefore, it has been classified as a Variant of Uncertain Significance.

NM_007227.3(GPR45):c.640G>T (p.Ala214Ser)

Gene: GPR45 (G protein-coupled receptor 45; plus strand). Cytogenetic location: 2q12.1.
Variant type: single nucleotide variant.
Coding change: c.640G>T on transcript NM_007227.3 (MANE Select); coding-DNA position 640, G replaced by T.
Protein change: p.Ala214Ser; replaces alanine 214 with serine.
Molecular consequence: missense variant.
Genome position (GRCh38, 1-based): chr2:105,242,498, G>T. VCF-style: chr2-105242498-G-T. GRCh37 (hg19) VCF-style: chr2-105858955-G-T.
Other names: short protein forms A214S.
Identifiers: ClinVar variation 2020114 (VCV002020114.4), dbSNP rs202232782, ClinGen allele CA348100873.
Genomic context (GRCh38, chr2:105,242,498, plus strand): 5'-GCCTACGTGGTCACCTTGGTGGTGGCCGTGTTCTTCGCGCCCTTTGGCGTCATGCTGTGC[G>T]CCTACATGTGCATCCTCAACACGGTCCGCAAGAACGCCGTGCGCGTGCACAACCAGTCGG-3'
Protein context (NP_009158.3, residues 204-224): FFAPFGVMLC[Ala214Ser]YMCILNTVRK